The following is an entry in ClinVar:

ClinVar aggregate classification (germline): Uncertain significance. Review status: criteria provided, multiple submitters, no conflicts (2 of 4 stars). 2 submissions from 2 submitters: Uncertain significance (2). Last evaluated 2024-05-23.

Conditions:
Papillary renal cell carcinoma type 1 (RCCP1). Also called: RENAL CELL CARCINOMA, PAPILLARY, 1, SOMATIC; Renal adenocarcinoma; Renal cell carcinoma 1; Renal cell carcinoma, somatic. Identifiers: Orphanet 47044, MedGen C1336839, OMIM 605074, HP:0011797.
Hereditary cancer-predisposing syndrome. Also called: Neoplastic Syndromes, Hereditary; Tumor predisposition; Hereditary Cancer Syndrome; Hereditary neoplastic syndrome. Identifiers: Orphanet 140162, MedGen C0027672, MeSH D009386, MONDO:0015356.

Allele frequency attached by ClinVar (database versions not stated): gnomAD exomes below 0.00001.
gnomAD v4.1: 2 of 1,613,672 alleles (0.00012%); highest among the groups gnomAD compares: East Asian, 0.0022%; no homozygotes.

Submissions (2):

Ambry Genetics
Classification: Uncertain significance for Hereditary cancer-predisposing syndrome. Last evaluated: 2024-05-23. Review status: criteria provided, single submitter. Criteria: Ambry Variant Classification Scheme 2023. Collection method: clinical testing. Allele origin: germline.
Comment: The p.A991T variant (also known as c.2971G>A), located in coding exon 13 of the MET gene, results from a G to A substitution at nucleotide position 2971. The alanine at codon 991 is replaced by threonine, an amino acid with similar properties. This amino acid position is conserved. In addition, this alteration is predicted to be tolerated by in silico analysis. Based on the available evidence, the clinical significance of this variant remains unclear.

Labcorp Genetics (formerly Invitae), Labcorp
Classification: Uncertain significance for Renal cell carcinoma, papillary, 1. Last evaluated: 2018-12-26. Review status: criteria provided, single submitter. Criteria: Invitae Variant Classification Sherloc (09022015). Collection method: clinical testing. Allele origin: germline.
Comment: This sequence change replaces alanine with threonine at codon 991 of the MET protein (p.Ala991Thr). The alanine residue is weakly conserved and there is a small physicochemical difference between alanine and threonine. This variant is not present in population databases (ExAC no frequency). This variant has not been reported in the literature in individuals with MET-related conditions. Algorithms developed to predict the effect of missense changes on protein structure and function are either unavailable or do not agree on the potential impact of this missense change (SIFT: "Tolerated"; PolyPhen-2: "Possibly Damaging"; Align-GVGD: "Class C0"). In summary, the available evidence is currently insufficient to determine the role of this variant in disease. Therefore, it has been classified as a Variant of Uncertain Significance.

NM_000245.4(MET):c.2917G>A (p.Ala973Thr)

Gene: MET (MET proto-oncogene, receptor tyrosine kinase; plus strand). Cytogenetic location: 7q31.2.
Variant type: single nucleotide variant.
Coding change: c.2917G>A on transcript NM_000245.4 (MANE Select); coding-DNA position 2917, G replaced by A.
Protein change: p.Ala973Thr; replaces alanine 973 with threonine.
Molecular consequence: missense variant.
Genome position (GRCh38, 1-based): chr7:116,771,878, G>A. VCF-style: chr7-116771878-G-A. GRCh37 (hg19) VCF-style: chr7-116411932-G-A.
Other names: c.2971G>A (LRG_662t1); c.2971G>A, p.Ala991Thr (NM_001127500.3); c.1627G>A, p.Ala543Thr (NM_001324402.2); short protein forms A991T, A543T, A973T.
Identifiers: ClinVar variation 653118 (VCV000653118.2), dbSNP rs1584955330, ClinGen allele CA368987020.